The following is an entry in ClinVar:

NM_173630.4(RTTN):c.2310G>C (p.Ser770=)

Gene: RTTN (rotatin; minus strand). Cytogenetic location: 18q22.2.
Variant type: single nucleotide variant.
Coding change: c.2310G>C on transcript NM_173630.4 (MANE Select); coding-DNA position 2310, G replaced by C.
Protein change: p.Ser770=; no amino-acid change (serine 770 retained).
Molecular consequence: synonymous variant. On other transcripts: 5 prime UTR variant (1).
Genome position (GRCh38, 1-based): chr18:70,145,783, C>G on the plus strand (G>C on the coding strand, the complement: RTTN is on the minus strand). VCF-style: chr18-70145783-C-G. GRCh37 (hg19) VCF-style: chr18-67813019-C-G.
Other names: c.-338G>C (NM_001318520.2).
Identifiers: ClinVar variation 3628342 (VCV003628342.2).

ClinVar aggregate classification (germline): Uncertain significance (1 of 4 stars; one submission).

gnomAD v4.1: 2 of 1,599,202 alleles (0.00013%); no homozygotes.

Submission:

Labcorp Genetics (formerly Invitae), Labcorp
Classification: Uncertain significance. Last evaluated: 2024-08-24. Review status: criteria provided, single submitter. Criteria: Invitae Variant Classification Sherloc (09022015). Collection method: clinical testing. Allele origin: germline.
Comment: This sequence change affects codon 770 of the RTTN mRNA. It is a 'silent' change, meaning that it does not change the encoded amino acid sequence of the RTTN protein. It affects a nucleotide within the consensus splice site. This variant is not present in population databases (gnomAD no frequency). This variant has not been reported in the literature in individuals affected with RTTN-related conditions. Algorithms developed to predict the effect of sequence changes on RNA splicing suggest that this variant may disrupt the consensus splice site. In summary, the available evidence is currently insufficient to determine the role of this variant in disease. Therefore, it has been classified as a Variant of Uncertain Significance.